The following is an entry in ClinVar:

NC_000022.10:g.(?_50506842)_(50507004_?)del

Gene: MLC1 (modulator of VRAC current 1; minus strand). Cytogenetic location: 22q13.33.
Variant type: Deletion.
Identifiers: ClinVar variation 3248120 (VCV003248120.1).

ClinVar aggregate classification (germline): Pathogenic (1 of 4 stars; one submission).

Submission:

Labcorp Genetics (formerly Invitae), Labcorp
Classification: Pathogenic. Last evaluated: 2023-04-28. Review status: criteria provided, single submitter. Criteria: Invitae Variant Classification Sherloc (09022015). Collection method: clinical testing. Allele origin: unknown.
Comment: For these reasons, this variant has been classified as Pathogenic. This variant disrupts a region of the MLC1 protein in which other variant(s) (p.Pro294Leu) have been determined to be pathogenic (PMID: 12939431, 24315536, 27322623). This suggests that this is a clinically significant region of the protein, and that variants that disrupt it are likely to be disease-causing. This variant has not been reported in the literature in individuals affected with MLC1-related conditions. This variant is a gross deletion of the genomic region encompassing exon(s) 10 of the MLC1 gene. This variant would be expected to be in-frame, preserving the integrity of the reading frame.

Literature cited by the submitters: PubMed 12939431; PubMed 24315536; PubMed 27322623.